The following is an entry in ClinVar:

NM_000548.5(TSC2):c.1860G>A (p.Leu620=)

Gene: TSC2 (TSC complex subunit 2; plus strand). Cytogenetic location: 16p13.3.
Variant type: single nucleotide variant.
Coding change: c.1860G>A on transcript NM_000548.5 (MANE Select); coding-DNA position 1860, G replaced by A.
Protein change: p.Leu620=; no amino-acid change (leucine 620 retained).
Molecular consequence: synonymous variant.
Genome position (GRCh38, 1-based): chr16:2,071,530, G>A. VCF-style: chr16-2071530-G-A. GRCh37 (hg19) VCF-style: chr16-2121531-G-A.
Other names: p.L620L:CTG>CTA; c.1860G>A, p.Leu620= (NM_001077183.3, NM_001114382.3, NM_001363528.2 and 3 more transcripts); c.1749G>A, p.Leu583= (NM_001318827.2); c.1713G>A, p.Leu571= (NM_001318829.2); c.1260G>A, p.Leu420= (NM_001318831.2); c.1893G>A, p.Leu631= (NM_001318832.2); c.1860G>A (NM_000548.4).
Identifiers: ClinVar variation 49180 (VCV000049180.51), dbSNP rs45492397, ClinGen allele CA016057.

ClinVar aggregate classification (germline): Conflicting classifications of pathogenicity. Review status: criteria provided, conflicting classifications (1 of 4 stars). 14 submissions from 14 submitters: Uncertain significance (1); Benign (7); Likely benign (4). 2 of the submissions do not count toward it. Last evaluated 2026-06-01.

Conditions:
TSC2-related disorder. Also called: TSC2-related condition; TSC2-Related Disorders.
Hereditary cancer-predisposing syndrome. Also called: Hereditary Cancer Syndrome; Tumor predisposition; Neoplastic Syndromes, Hereditary; Hereditary neoplastic syndrome. Identifiers: Orphanet 140162, MedGen C0027672, MeSH D009386, MONDO:0015356.
Tuberous sclerosis syndrome (TSC). Also called: Tuberous Sclerosis Complex; Tuberous sclerosis. Identifiers: Orphanet 805, MedGen C0041341, MONDO:0001734.
Tuberous sclerosis 2 (TSC2). Identifiers: Orphanet 805, MedGen C1860707, MONDO:0013199, OMIM 613254.

Allele frequency attached by ClinVar (database versions not stated): gnomAD exomes 0.00007 and 0.00018; ExAC 0.00013; ESP Exome Variant Server 0.00069; gnomAD 0.00078 and 0.00084; TOPMed 0.00079.
gnomAD v4.1: 214 of 1,613,522 alleles (0.013%); highest among the groups gnomAD compares: African/African-American, 0.27%; 1 homozygote.

Submissions (14):

CeGaT Center for Human Genetics Tuebingen
Classification: Likely benign. Last evaluated: 2026-06-01. Review status: criteria provided, single submitter. Criteria: CeGaT Center For Human Genetics Tuebingen Variant Classification Criteria Version 2. Collection method: clinical testing. Allele origin: germline. Affected: yes. Observed: 4 variant alleles.
Comment: TSC2: BP4, BP7, BS1

Labcorp Genetics (formerly Invitae), Labcorp
Classification: Benign for Tuberous sclerosis 2. Last evaluated: 2026-02-03. Review status: criteria provided, single submitter. Criteria: Invitae Variant Classification Sherloc (09022015). Collection method: clinical testing. Allele origin: germline.

Myriad Genetics, Inc.
Classification: Benign for Tuberous sclerosis 2. Last evaluated: 2025-05-16. Review status: criteria provided, single submitter. Criteria: Myriad Autosomal Dominant, Autosomal Recessive and X-Linked Classification Criteria (2023). Collection method: clinical testing. Allele origin: unknown.
Comment: This variant is considered benign. This variant is a silent/synonymous amino acid change and it is not expected to impact splicing.

All of Us Research Program, National Institutes of Health
Classification: Benign for Tuberous sclerosis syndrome. Last evaluated: 2024-02-05. Review status: criteria provided, single submitter. Criteria: ACMG Guidelines, 2015. Collection method: clinical testing. Allele origin: germline. Inheritance: Autosomal dominant inheritance. Observed: 46 variant alleles, 46 heterozygotes.
Comment: This study involves interpretation of variants in research participants for the purpose of population health screening. Participant phenotype was not available at the time of variant classification. Additional details can be found in publication PMID: 35346344, PMCID: PMC8962531

ARUP Laboratories, Molecular Genetics and Genomics, ARUP Laboratories
Classification: Benign. Last evaluated: 2023-11-17. Review status: criteria provided, single submitter. Criteria: ARUP Molecular Germline Variant Investigation Process 2024. Collection method: clinical testing. Allele origin: germline.

Blueprint Genetics
Classification: Likely benign. Last evaluated: 2023-11-10. Review status: criteria provided, single submitter. Criteria: ACMG Guidelines, 2015. Collection method: clinical testing. Allele origin: germline.

Color Diagnostics, LLC DBA Color Health
Classification: Benign for Tuberous sclerosis syndrome. Last evaluated: 2022-09-22. Review status: criteria provided, single submitter. Criteria: ACMG Guidelines, 2015. Collection method: clinical testing. Allele origin: germline.

Genome-Nilou Lab
Classification: Benign for Tuberous sclerosis 2. Last evaluated: 2021-11-07. Review status: criteria provided, single submitter. Criteria: ACMG Guidelines, 2015. Collection method: clinical testing. Allele origin: germline. Affected: no.

Sema4
Classification: Likely benign for Hereditary cancer-predisposing syndrome. Last evaluated: 2021-05-18. Review status: criteria provided, single submitter. Criteria: Sema4 Curation Guidelines. Collection method: curation. Allele origin: germline.

Eurofins Ntd Llc (ga)
Classification: Uncertain significance. Last evaluated: 2016-09-06. Review status: criteria provided, single submitter. Criteria: EGL Classification Definitions 2015. Collection method: clinical testing. Allele origin: germline. Observed: 1 variant allele, 1 heterozygote.

Ambry Genetics
Classification: Likely benign for Hereditary cancer-predisposing syndrome. Last evaluated: 2016-08-22. Review status: criteria provided, single submitter. Criteria: Ambry Variant Classification Scheme 2023. Collection method: clinical testing. Allele origin: germline.

GeneDx
Classification: Benign. Last evaluated: 2014-03-17. Review status: criteria provided, single submitter. Criteria: GeneDx Variant Classification (06012015). Collection method: clinical testing. Allele origin: germline. Affected: yes.
Comment: This variant is considered likely benign or benign based on one or more of the following criteria: it is a conservative change, it occurs at a poorly conserved position in the protein, it is predicted to be benign by multiple in silico algorithms, and/or has population frequency not consistent with disease.

PreventionGenetics, part of Exact Sciences
Classification: Likely benign for TSC2-related condition. Last evaluated: 2021-11-22. Review status: no assertion criteria provided. Collection method: clinical testing. Allele origin: germline. Not counted in ClinVar's aggregate classification.
Comment: This variant is classified as likely benign based on ACMG/AMP sequence variant interpretation guidelines (Richards et al. 2015 PMID: 25741868, with internal and published modifications).

Tuberous sclerosis database (TSC2)
No classification provided. Condition: TSC. Review status: no classification provided. Criteria: Tuberous Sclerosis Database Assertion Criteria 2015. Collection method: curation. Allele origin: germline. Affected: yes. Not counted in ClinVar's aggregate classification.